The following is an entry in ClinVar:

ClinVar aggregate classification (germline): Uncertain significance (1 of 4 stars; one submission).

Conditions:
Autosomal recessive limb-girdle muscular dystrophy type 2J (LGMDR10). Also called: Limb-girdle muscular dystrophy, type 2J; MUSCULAR DYSTROPHY, LIMB-GIRDLE, AUTOSOMAL RECESSIVE 10. Identifiers: Orphanet 140922, MedGen C1837342, MONDO:0012127, OMIM 608807.
Dilated cardiomyopathy 1G (CMD1G). Identifiers: Orphanet 154, MedGen C1858763, MONDO:0011400, OMIM 604145.

Allele frequency attached by ClinVar (database versions not stated): gnomAD exomes below 0.00001; gnomAD 0.00001.

Submission:

Labcorp Genetics (formerly Invitae), Labcorp
Classification: Uncertain significance for Dilated cardiomyopathy 1G; Autosomal recessive limb-girdle muscular dystrophy type 2J. Last evaluated: 2023-06-29. Review status: criteria provided, single submitter. Criteria: Invitae Variant Classification Sherloc (09022015). Collection method: clinical testing. Allele origin: germline.
Comment: This variant is located in the M band of TTN (PMID: 25589632). Variants in this region may be relevant for neuromuscular disorders, but have not been definitively shown to cause cardiomyopathy (PMID: 23975875). Experimental studies and prediction algorithms are not available or were not evaluated, and the functional significance of this variant is currently unknown. ClinVar contains an entry for this variant (Variation ID: 653024). This variant has not been reported in the literature in individuals affected with TTN-related conditions. This variant is not present in population databases (gnomAD no frequency). This sequence change replaces alanine, which is neutral and non-polar, with valine, which is neutral and non-polar, at codon 34126 of the TTN protein (p.Ala34126Val). In summary, the available evidence is currently insufficient to determine the role of this variant in disease. Therefore, it has been classified as a Variant of Uncertain Significance.

Literature cited by the submitters: PubMed 25589632; PubMed 23975875.

NM_001267550.2(TTN):c.102377C>T (p.Ala34126Val)

Genes: TTN-AS1 (TTN antisense RNA 1; plus strand), TTN (titin; minus strand). Cytogenetic location: 2q31.2.
Variant type: single nucleotide variant.
Coding change: c.102377C>T on transcript NM_001267550.2 (MANE Select); coding-DNA position 102377, C replaced by T.
Protein change: p.Ala34126Val; replaces alanine 34126 with valine.
Molecular consequence: missense variant.
Genome position (GRCh38, 1-based): chr2:178,534,238, G>A on the plus strand (C>T on the coding strand, the complement: TTN is on the minus strand). VCF-style: chr2-178534238-G-A. GRCh37 (hg19) VCF-style: chr2-179398965-G-A.
Other names: c.97454C>T, p.Ala32485Val (NM_001256850.1); c.75182C>T, p.Ala25061Val (NM_003319.4); c.94673C>T, p.Ala31558Val (NM_133378.4); c.75557C>T, p.Ala25186Val (NM_133432.3); c.75758C>T, p.Ala25253Val (NM_133437.4); short protein forms A32485V, A25061V, A34126V, A25186V, A25253V, A31558V.
Identifiers: ClinVar variation 653024 (VCV000653024.9), dbSNP rs1280930563, ClinGen allele CA349417770.
Genomic context (GRCh38, chr2:178,534,238, plus strand): 5'-ACTGCATGCATTATCTGCCCAGAAACTGGGCCAATTTCAATGGATGCCACTTTAACTTTA[G>A]CAACACTCACTCCCTTCTGAGATCGAATTGCACCACCACAGGAGATCCGGGCTGCTGACA-3'
Protein context (NP_001254479.2, residues 34116-34136): AIRSQKGVSV[Ala34126Val]KVKVASIEIG